The following is an entry in ClinVar:

ClinVar aggregate classification (germline): Pathogenic (1 of 4 stars; one submission).

Conditions:
Cardiovascular phenotype. Identifiers: MedGen CN230736.

Submission:

Ambry Genetics
Classification: Pathogenic for Cardiovascular phenotype. Last evaluated: 2024-02-22. Review status: criteria provided, single submitter. Criteria: Ambry Variant Classification Scheme 2023. Collection method: clinical testing. Allele origin: germline.
Comment: The c.3105_3112delGGGCGACG pathogenic mutation, located in coding exon 13 of the KCNH2 gene, results from a deletion of 8 nucleotides at nucleotide positions 3105 to 3112, causing a translational frameshift with a predicted alternate stop codon (p.D1037Efs*79). This alteration occurs at the 3' terminus of theKCNH2 gene, is not expected to trigger nonsense-mediated mRNA decay, and only impacts the last 10% of the protein. However, premature stop codons are typically deleterious in nature and a significant portion of the protein is affected (Ambry internal data). This variant is considered to be rare based on population cohorts in the Genome Aggregation Database (gnomAD). Based on the supporting evidence, this alteration is interpreted as a disease-causing mutation.

NM_000238.4(KCNH2):c.3105_3112del (p.Asp1037fs)

Gene: KCNH2 (potassium voltage-gated channel subfamily H member 2; minus strand). Cytogenetic location: 7q36.1.
Variant type: Deletion.
Coding change: c.3105_3112del on transcript NM_000238.4 (MANE Select); coding-DNA positions 3105 to 3112, 8 bases deleted (GGGCGACG; older notation c.3105_3112delGGGCGACG).
Protein change: p.Asp1037fs; shifts the reading frame from aspartic acid 1037.
Molecular consequence: frameshift variant. On other transcripts: non-coding transcript variant (2).
Genome position (GRCh38, 1-based): chr7:150,947,368-150,947,375, CGTCGCCC deleted on the plus strand (GGGCGACG on the coding strand, the reverse complement: KCNH2 is on the minus strand); deleting any 8 consecutive bases within chr7:150,947,368-150,947,377 gives the same sequence; the c. name uses the placement nearest the transcript's 3' end. VCF-style (leftmost placement, unchanged base first): chr7-150947367-ACGTCGCCC-A. GRCh37 (hg19) VCF-style: chr7-150644455-ACGTCGCCC-A.
Other names: c.2817_2824del, p.Asp941fs (NM_001406753.1); c.2085_2092del, p.Asp697fs (NM_172057.3); c.3105_3112delGGGCGACG (NM_000238.3); short protein forms D1037fs, D697fs, D941fs.
Identifiers: ClinVar variation 3230731 (VCV003230731.1), dbSNP rs794728470, ClinGen allele CA2825001553.